The following is an entry in ClinVar:

NM_001374736.1(DST):c.16688G>C (p.Ser5563Thr)

Gene: DST (dystonin; minus strand). Cytogenetic location: 6p12.1.
Variant type: single nucleotide variant.
Coding change: c.16688G>C on transcript NM_001374736.1 (MANE Select); coding-DNA position 16688, G replaced by C.
Protein change: p.Ser5563Thr; replaces serine 5563 with threonine.
Molecular consequence: missense variant.
Genome position (GRCh38, 1-based): chr6:56,536,861, C>G on the plus strand (G>C on the coding strand, the complement: DST is on the minus strand). VCF-style: chr6-56536861-C-G. GRCh37 (hg19) VCF-style: chr6-56401659-C-G.
Other names: c.10331G>C, p.Ser3444Thr (NM_001144769.5); c.9917G>C, p.Ser3306Thr (NM_001144770.2); c.16688G>C, p.Ser5563Thr (NM_001374722.1); c.16055G>C, p.Ser5352Thr (NM_001374729.1); c.9797G>C, p.Ser3266Thr (NM_001374730.1, NM_001386100.1, NM_183380.4); c.16715G>C, p.Ser5572Thr (NM_001374734.1); c.8819G>C, p.Ser2940Thr (NM_015548.5); short protein forms S3306T, S3266T, S5352T, S5572T, S2940T, S3444T, S5563T.
Identifiers: ClinVar variation 2925661 (VCV002925661.3), dbSNP rs2534983371, ClinGen allele CA364511527.

ClinVar aggregate classification (germline): Uncertain significance (1 of 4 stars; one submission).

Conditions:
Hereditary sensory and autonomic neuropathy type 6. Also called: HSAN VI; Neuropathy, hereditary sensory and autonomic, type VI. Identifiers: Orphanet 314381, MedGen C3539003, MONDO:0013839, OMIM 614653.
Epidermolysis bullosa simplex 3, localized or generalized intermediate, with BP230 deficiency (EBS3). Also called: Epidermolysis bullosa simplex, autosomal recessive 2; Epidermolysis bullosa simplex due to BP230 deficiency. Identifiers: Orphanet 412181, MedGen C3809470, MONDO:0014180, OMIM 615425.

Submission:

Labcorp Genetics (formerly Invitae), Labcorp
Classification: Uncertain significance for Epidermolysis bullosa simplex 3, localized or generalized intermediate, with BP230 deficiency; Hereditary sensory and autonomic neuropathy type 6. Last evaluated: 2023-03-01. Review status: criteria provided, single submitter. Criteria: Invitae Variant Classification Sherloc (09022015). Collection method: clinical testing. Allele origin: germline.
Comment: In summary, the available evidence is currently insufficient to determine the role of this variant in disease. Therefore, it has been classified as a Variant of Uncertain Significance. Experimental studies and prediction algorithms are not available or were not evaluated, and the functional significance of this variant is currently unknown. This variant has not been reported in the literature in individuals affected with DST-related conditions. This variant is not present in population databases (gnomAD no frequency). This sequence change replaces serine, which is neutral and polar, with threonine, which is neutral and polar, at codon 2940 of the DST protein (p.Ser2940Thr). The DST gene has multiple clinically relevant transcripts. This variant occurs in alternate transcript NM_015548.4, and corresponds to NC_000006.11:g.56401659C>G in the primary transcript.